The following is an entry in ClinVar:

NM_000379.4(XDH):c.822G>A (p.Leu274=)

Gene: XDH (xanthine dehydrogenase; minus strand). Cytogenetic location: 2p23.1.
Variant type: single nucleotide variant.
Coding change: c.822G>A on transcript NM_000379.4 (MANE Select); coding-DNA position 822, G replaced by A.
Protein change: p.Leu274=; no amino-acid change (leucine 274 retained).
Molecular consequence: synonymous variant.
Genome position (GRCh38, 1-based): chr2:31,383,819, C>T on the plus strand (G>A on the coding strand, the complement: XDH is on the minus strand). VCF-style: chr2-31383819-C-T. GRCh37 (hg19) VCF-style: chr2-31606685-C-T.
Identifiers: ClinVar variation 715344 (VCV000715344.17), dbSNP rs113345553, ClinGen allele CA1599469.

ClinVar aggregate classification (germline): Conflicting classifications of pathogenicity. Review status: criteria provided, conflicting classifications (1 of 4 stars). 6 submissions from 6 submitters: Uncertain significance (1); Likely benign (2). 3 of the submissions do not count toward it. Last evaluated 2026-01-14.

Conditions:
XDH-related disorder. Also called: XDH-related condition.
Hereditary xanthinuria type 1 (XAN1). Identifiers: Orphanet 3467, Orphanet 93601, MedGen C0268118, MONDO:0010209, OMIM 278300.
Xanthinuria type II. Also called: Xanthine dehydrogenase and aldehyde oxidase combined deficiency of; XDH and AOX dual deficiency. Identifiers: Orphanet 3467, Orphanet 93602, MedGen C1863688, MONDO:0011346, OMIM 603592.

Allele frequency attached by ClinVar (database versions not stated): 1000 Genomes Project 0.00080; 1000 Genomes Project 30x 0.00094; gnomAD 0.00108; TOPMed 0.00120; ExAC 0.00140; gnomAD exomes 0.00145; ESP Exome Variant Server 0.00208.
gnomAD v4.1: 2,090 of 1,614,126 alleles (0.13%); highest among the groups gnomAD compares: Non-Finnish European, 0.14%; 2 homozygotes.

Submissions (6):

Labcorp Genetics (formerly Invitae), Labcorp
Classification: Likely benign for Xanthinuria type II. Last evaluated: 2026-01-14. Review status: criteria provided, single submitter. Criteria: Invitae Variant Classification Sherloc (09022015). Collection method: clinical testing. Allele origin: germline.

Blueprint Genetics
Classification: Likely benign. Last evaluated: 2024-11-19. Review status: criteria provided, single submitter. Criteria: ACMG Guidelines, 2015. Collection method: clinical testing. Allele origin: germline.

Illumina Laboratory Services, Illumina
Classification: Uncertain significance for Hereditary xanthinuria type 1. Last evaluated: 2017-04-27. Review status: criteria provided, single submitter. Criteria: ICSL Variant Classification Criteria 13 December 2019. Collection method: clinical testing. Allele origin: germline.
Comment: This variant was observed as part of a predisposition screen in an ostensibly healthy population. A literature search was performed for the gene, cDNA change, and amino acid change (where applicable). Publications were found based on this search. However, the evidence from the literature, in combination with allele frequency data from public databases where available, was not sufficient to rule this variant in or out of causing disease. Therefore, this variant is classified as a variant of unknown significance.

PreventionGenetics, part of Exact Sciences
Classification: Likely benign for XDH-related condition. Last evaluated: 2024-06-28. Review status: no assertion criteria provided. Collection method: clinical testing. Allele origin: germline. Not counted in ClinVar's aggregate classification.
Comment: This variant is classified as likely benign based on ACMG/AMP sequence variant interpretation guidelines (Richards et al. 2015 PMID: 25741868, with internal and published modifications).

Clinical Genetics DNA and cytogenetics Diagnostics Lab, Erasmus MC, Erasmus Medical Center
Classification: Likely benign. Review status: no assertion criteria provided. Collection method: clinical testing. Allele origin: germline. Affected: yes. Study: VKGL Data-share Consensus. Not counted in ClinVar's aggregate classification.

Genome Diagnostics Laboratory, University Medical Center Utrecht
Classification: Benign. Review status: no assertion criteria provided. Collection method: clinical testing. Allele origin: germline. Affected: yes. Study: VKGL Data-share Consensus. Not counted in ClinVar's aggregate classification.

Literature cited by the submitters: PubMed 17368066 (cited by Illumina Laboratory Services, Illumina).